The following is an entry in ClinVar:

ClinVar aggregate classification (germline): Conflicting classifications of pathogenicity. Review status: criteria provided, conflicting classifications (1 of 4 stars). 2 submissions from 2 submitters: Likely pathogenic (1); Uncertain significance (1). Last evaluated 2026-01-20.

Conditions:
Ciliopathy. Also called: Ciliopathies. Identifiers: Orphanet 363250, MedGen C4277690, MONDO:0005308, MeSH D000072661.
WDR19-related disorder. Also called: WDR19-related condition; WDR19-related disorders. Identifiers: MedGen CN380161.

gnomAD v4.1: 11 of 1,604,572 alleles (0.00069%); highest among the groups gnomAD compares: Non-Finnish European, 0.00085%; no homozygotes.

Submissions (2):

Victorian Clinical Genetics Services, Murdoch Childrens Research Institute
Classification: Uncertain significance for Ciliopathy. Last evaluated: 2026-01-20. Review status: criteria provided, single submitter. Criteria: ACMG Guidelines, 2015. Collection method: clinical testing. Allele origin: germline. Affected: yes.
Comment: This variant is classified as VUS-3B. Evidence in support of pathogenic classification: Variant is present in gnomAD <0.01 for a recessive condition (v4: 11 heterozygote(s), 0 homozygote(s)). Additional information: Variant is predicted to result in a missense amino acid change from Gly to Glu; This variant is heterozygous; This gene is associated with autosomal recessive disease; Alternative amino acid change(s) at the same position are present in gnomAD (highest allele count: v4: 1 heterozygote(s), 0 homozygote(s)); Previous evidence of pathogenicity for this variant is inconclusive. This variant has been reported in an individual with inherited retinal disease, where a second hit was also observed (PMID: 32037395); No published evidence of segregation with disease has been identified for this variant; No published functional evidence has been identified for this variant; No comparable missense variants have previous evidence for pathogenicity; Variant is not located in an established domain, motif, hotspot or informative constraint region; Missense variant with inconclusive in silico prediction and/or uninformative conservation; Loss of function is a known mechanism of disease in this gene and is associated with a syndromic spectrum of ciliopathy disorders including cranioectodermal dysplasia 4 (MIM#614378), nephronophthisis 13 (MIM#614377), Senior-Loken syndrome 8 (MIM#616307) and short-rib thoracic dysplasia 5 with or without polydactyly (MIM#614376); Inheritance information for this variant is not currently available in this individual.

Blueprint Genetics
Classification: Likely pathogenic for WDR19-related disorders. Last evaluated: 2024-04-24. Review status: criteria provided, single submitter. Criteria: ACMG Guidelines, 2015. Collection method: clinical testing. Allele origin: germline. Affected: yes. Observed: 2 variant alleles.

Literature cited by the submitters: PubMed 32037395 (cited by Victorian Clinical Genetics Services, Murdoch Childrens Research Institute).

NM_025132.4(WDR19):c.3515G>A (p.Gly1172Glu)

Gene: WDR19 (WD repeat domain 19; plus strand). Cytogenetic location: 4p14.
Variant type: single nucleotide variant.
Coding change: c.3515G>A on transcript NM_025132.4 (MANE Select); coding-DNA position 3515, G replaced by A.
Protein change: p.Gly1172Glu; replaces glycine 1172 with glutamic acid.
Molecular consequence: missense variant.
Genome position (GRCh38, 1-based): chr4:39,273,011, G>A. VCF-style: chr4-39273011-G-A. GRCh37 (hg19) VCF-style: chr4-39274631-G-A.
Other names: c.3035G>A, p.Gly1012Glu (NM_001317924.2); short protein forms G1012E, G1172E.
Identifiers: ClinVar variation 4819005 (VCV004819005.2).